The following is an entry in ClinVar:

ClinVar aggregate classification (germline): Likely benign. Review status: criteria provided, multiple submitters, no conflicts (2 of 4 stars). 2 submissions from 2 submitters: Likely benign (2). Last evaluated 2025-04-01.

Allele frequency attached by ClinVar (database versions not stated): gnomAD 0.00003 and 0.00004; TOPMed 0.00004.
gnomAD v4.1: 17 of 1,613,510 alleles (0.0011%); highest among the groups gnomAD compares: African/African-American, 0.011%; no homozygotes.

Submissions (2):

CeGaT Center for Human Genetics Tuebingen
Classification: Likely benign. Last evaluated: 2025-04-01. Review status: criteria provided, single submitter. Criteria: CeGaT Center For Human Genetics Tuebingen Variant Classification Criteria Version 2. Collection method: clinical testing. Allele origin: germline. Affected: yes. Observed: 1 variant allele.
Comment: NSD2: BP4, BP7

Labcorp Genetics (formerly Invitae), Labcorp
Classification: Likely benign. Last evaluated: 2018-06-18. Review status: criteria provided, single submitter. Criteria: Invitae Variant Classification Sherloc (09022015). Collection method: clinical testing. Allele origin: germline.

NM_001042424.3(NSD2):c.3639A>T (p.Ser1213=)

Gene: NSD2 (nuclear receptor binding SET domain protein 2; plus strand). Cytogenetic location: 4p16.3.
Variant type: single nucleotide variant.
Coding change: c.3639A>T on transcript NM_001042424.3 (MANE Select); coding-DNA position 3639, A replaced by T.
Protein change: p.Ser1213=; no amino-acid change (serine 1213 retained).
Molecular consequence: synonymous variant.
Genome position (GRCh38, 1-based): chr4:1,976,492, A>T. VCF-style: chr4-1976492-A-T. GRCh37 (hg19) VCF-style: chr4-1978219-A-T.
Other names: c.3639A>T, p.Ser1213= (NM_133330.3, NM_133331.3, NM_133335.4).
Identifiers: ClinVar variation 750572 (VCV000750572.10), dbSNP rs367914017, ClinGen allele CA2812843.